The following is an entry in ClinVar:

ClinVar aggregate classification (germline): Uncertain significance (1 of 4 stars; one submission).

Conditions:
Muscle AMP deaminase deficiency (MMDD). Also called: AMPD1 DEFICIENCY; ADENOSINE MONOPHOSPHATE DEAMINASE-1 DEFICIENCY, MYOPATHY DUE TO; Myoadenylate deaminase deficiency, myopathy due to; Adenosine monophosphate deaminase 1 deficiency; AMP deaminase 1 deficiency; Adenosine Monophosphate Deaminase 1. Identifiers: Orphanet 45, MedGen C3714933, MONDO:0014220, OMIM 615511.

Allele frequency attached by ClinVar (database versions not stated): TOPMed below 0.00001; gnomAD exomes 0.00001.
gnomAD v4.1: 13 of 1,614,012 alleles (0.00081%); highest among the groups gnomAD compares: Non-Finnish European, 0.001%; no homozygotes.

Submission:

Labcorp Genetics (formerly Invitae), Labcorp
Classification: Uncertain significance for Muscle AMP deaminase deficiency. Last evaluated: 2023-02-19. Review status: criteria provided, single submitter. Criteria: Invitae Variant Classification Sherloc (09022015). Collection method: clinical testing. Allele origin: germline.
Comment: In summary, the available evidence is currently insufficient to determine the role of this variant in disease. Therefore, it has been classified as a Variant of Uncertain Significance. An algorithm developed to predict the effect of missense changes on protein structure and function (PolyPhen-2) suggests that this variant is likely to be tolerated. This variant has not been reported in the literature in individuals affected with AMPD1-related conditions. This variant is present in population databases (no rsID available, gnomAD 0.002%). This sequence change replaces valine, which is neutral and non-polar, with leucine, which is neutral and non-polar, at codon 715 of the AMPD1 protein (p.Val715Leu).

NM_000036.3(AMPD1):c.2044G>C (p.Val682Leu)

Gene: AMPD1 (adenosine monophosphate deaminase 1; minus strand). Cytogenetic location: 1p13.2.
Variant type: single nucleotide variant.
Coding change: c.2044G>C on transcript NM_000036.3 (MANE Select); coding-DNA position 2044, G replaced by C.
Protein change: p.Val682Leu; replaces valine 682 with leucine.
Molecular consequence: missense variant.
Genome position (GRCh38, 1-based): chr1:114,673,680, C>G on the plus strand (G>C on the coding strand, the complement: AMPD1 is on the minus strand). VCF-style: chr1-114673680-C-G. GRCh37 (hg19) VCF-style: chr1-115216301-C-G.
Other names: c.2032G>C, p.Val678Leu (NM_001172626.2); short protein forms V678L, V682L.
Identifiers: ClinVar variation 2055743 (VCV002055743.4), dbSNP rs576161172, ClinGen allele CA341743769.